The following is an entry in ClinVar:

NM_005476.7(GNE):c.165-18A>G

Gene: GNE (glucosamine (UDP-N-acetyl)-2-epimerase/N-acetylmannosamine kinase; minus strand). Cytogenetic location: 9p13.3.
Variant type: single nucleotide variant.
Coding change: c.165-18A>G on transcript NM_005476.7 (MANE Select); 18 bases into the intron before coding-DNA position 165, A replaced by G.
Molecular consequence: intron variant.
Genome position (GRCh38, 1-based): chr9:36,246,500, T>C on the plus strand (A>G on the coding strand, the complement: GNE is on the minus strand). VCF-style: chr9-36246500-T-C. GRCh37 (hg19) VCF-style: chr9-36246497-T-C.
Other names: p.?; c.-13-18A>G (NM_001190388.2, NM_001190384.3, NM_001374798.1); c.258-18A>G (NM_001128227.3); c.165-18A>G (NM_001374797.1, NM_001190383.3).
Identifiers: ClinVar variation 257525 (VCV000257525.12), dbSNP rs374105190, ClinGen allele CA5056756.

ClinVar aggregate classification (germline): Likely benign. Review status: criteria provided, multiple submitters, no conflicts (2 of 4 stars). 6 submissions from 6 submitters: Likely benign (6). Last evaluated 2026-02-04.

Conditions:
GNE myopathy (NM). Also called: IBM 2; Inclusion body myopathy autosomal recessive; Inclusion body myopathy quadriceps sparing; MYOPATHY, DISTAL, WITH OR WITHOUT RIMMED VACUOLES; NONAKA DISTAL MYOPATHY; INCLUSION BODY MYOPATHY, HEREDITARY, AUTOSOMAL RECESSIVE. Identifiers: Orphanet 602, MedGen C1853926, MONDO:0011603, OMIM 605820.
Sialuria. Also called: SIALURIA, FRENCH TYPE; Sialic Acid Storage Disease. Identifiers: Orphanet 3166, MedGen C0342853, MONDO:0010028, OMIM 269921.

Allele frequency attached by ClinVar (database versions not stated): ExAC 0.00027; gnomAD exomes 0.00027 and 0.00069; TOPMed 0.00033; gnomAD 0.00037 and 0.00038; ESP Exome Variant Server 0.00040.
gnomAD v4.1: 1,029 of 1,577,904 alleles (0.065%); highest among the groups gnomAD compares: Non-Finnish European, 0.084%; no homozygotes.

Submissions (6):

Labcorp Genetics (formerly Invitae), Labcorp
Classification: Likely benign for Sialuria; GNE myopathy. Last evaluated: 2026-02-04. Review status: criteria provided, single submitter. Criteria: Invitae Variant Classification Sherloc (09022015). Collection method: clinical testing. Allele origin: germline.

Mayo Clinic Laboratories, Mayo Clinic
Classification: Likely benign. Last evaluated: 2025-05-07. Review status: criteria provided, single submitter. Criteria: ACMG Guidelines, 2015. Collection method: clinical testing. Allele origin: germline. Observed: 1 variant allele.
Comment: BP4, BP7

Blueprint Genetics
Classification: Likely benign. Last evaluated: 2024-11-20. Review status: criteria provided, single submitter. Criteria: ACMG Guidelines, 2015. Collection method: clinical testing. Allele origin: germline.

Women's Health and Genetics/Laboratory Corporation of America, LabCorp
Classification: Likely benign. Last evaluated: 2024-06-14. Review status: criteria provided, single submitter. Criteria: LabCorp Variant Classification Summary - May 2015. Collection method: clinical testing. Allele origin: germline.

GeneDx
Classification: Likely benign. Last evaluated: 2016-03-21. Review status: criteria provided, single submitter. Criteria: GeneDx Variant Classification (06012015). Collection method: clinical testing. Allele origin: germline. Affected: yes.
Comment: This variant is considered likely benign or benign based on one or more of the following criteria: it is a conservative change, it occurs at a poorly conserved position in the protein, it is predicted to be benign by multiple in silico algorithms, and/or has population frequency not consistent with disease.

PreventionGenetics, part of Exact Sciences
Classification: Likely benign. Review status: criteria provided, single submitter. Criteria: ACMG Guidelines, 2015. Collection method: clinical testing. Allele origin: germline.